The following is an entry in ClinVar:

NM_016614.3(TDP2):c.111C>T (p.Ser37=)

Genes: TDP2 (tyrosyl-DNA phosphodiesterase 2; minus strand), LOC113174982 (Sharpr-MPRA regulatory region 5933; plus strand). Cytogenetic location: 6p22.3.
Variant type: single nucleotide variant.
Coding change: c.111C>T on transcript NM_016614.3 (MANE Select); coding-DNA position 111, C replaced by T.
Protein change: p.Ser37=; no amino-acid change (serine 37 retained).
Molecular consequence: synonymous variant.
Genome position (GRCh38, 1-based): chr6:24,666,752, G>A on the plus strand (C>T on the coding strand, the complement: TDP2 is on the minus strand). VCF-style: chr6-24666752-G-A. GRCh37 (hg19) VCF-style: chr6-24666980-G-A.
Identifiers: ClinVar variation 3024668 (VCV003024668.22), dbSNP rs368460491, ClinGen allele CA3658281.

ClinVar aggregate classification (germline): Likely benign (1 of 4 stars; one submission).

Allele frequency attached by ClinVar (database versions not stated): gnomAD 0.00003; gnomAD exomes 0.00004; TOPMed 0.00006; ESP Exome Variant Server 0.00008; ExAC 0.00014.
gnomAD v4.1: 62 of 1,614,280 alleles (0.0038%); highest among the groups gnomAD compares: South Asian, 0.041%; 2 homozygotes.

Submission:

CeGaT Center for Human Genetics Tuebingen
Classification: Likely benign. Last evaluated: 2024-02-01. Review status: criteria provided, single submitter. Criteria: CeGaT Center For Human Genetics Tuebingen Variant Classification Criteria Version 2. Collection method: clinical testing. Allele origin: germline. Affected: yes. Observed: 1 variant allele.
Comment: TDP2: BP4, BP7